The following is an entry in ClinVar:

ClinVar aggregate classification (germline): Uncertain significance (1 of 4 stars; one submission).

Conditions:
Emery-Dreifuss muscular dystrophy 4, autosomal dominant (EDMD4). Also called: EMERY-DREIFUSS MUSCULAR DYSTROPHY 4 WITH VARIABLE FEATURES. Identifiers: Orphanet 261, MedGen C2751807, MONDO:0013071, OMIM 612998.
Autosomal recessive ataxia, Beauce type. Also called: SYNE1 Deficiency; Spinocerebellar ataxia, autosomal recessive 8; ATAXIA, RECESSIVE, OF BEAUCE; SYNE1-Related Autosomal Recessive Cerebellar Ataxia. Identifiers: Orphanet 88644, MedGen C1853116, MONDO:0012549, OMIM 610743.

Submission:

Labcorp Genetics (formerly Invitae), Labcorp
Classification: Uncertain significance for Emery-Dreifuss muscular dystrophy 4, autosomal dominant; Autosomal recessive ataxia, Beauce type. Last evaluated: 2022-03-18. Review status: criteria provided, single submitter. Criteria: Invitae Variant Classification Sherloc (09022015). Collection method: clinical testing. Allele origin: germline.
Comment: In summary, the available evidence is currently insufficient to determine the role of this variant in disease. Therefore, it has been classified as a Variant of Uncertain Significance. Algorithms developed to predict the effect of missense changes on protein structure and function are either unavailable or do not agree on the potential impact of this missense change (SIFT: "Deleterious"; PolyPhen-2: "Benign"; Align-GVGD: "Class C15"). This variant has not been reported in the literature in individuals affected with SYNE1-related conditions. This variant is not present in population databases (gnomAD no frequency). This sequence change replaces glycine, which is neutral and non-polar, with glutamic acid, which is acidic and polar, at codon 4656 of the SYNE1 protein (p.Gly4656Glu).

NM_182961.4(SYNE1):c.14180G>A (p.Gly4727Glu)

Gene: SYNE1 (spectrin repeat containing nuclear envelope protein 1; minus strand). Cytogenetic location: 6q25.2.
Variant type: single nucleotide variant.
Coding change: c.14180G>A on transcript NM_182961.4 (MANE Select); coding-DNA position 14180, G replaced by A.
Protein change: p.Gly4727Glu; replaces glycine 4727 with glutamic acid.
Molecular consequence: missense variant.
Genome position (GRCh38, 1-based): chr6:152,330,505, C>T on the plus strand (G>A on the coding strand, the complement: SYNE1 is on the minus strand). VCF-style: chr6-152330505-C-T. GRCh37 (hg19) VCF-style: chr6-152651640-C-T.
Other names: c.13967G>A, p.Gly4656Glu (NM_033071.5); short protein forms G4727E, G4656E.
Identifiers: ClinVar variation 2113451 (VCV002113451.4), dbSNP rs2485148204, ClinGen allele CA366098569.
Genomic context (GRCh38, chr6:152,330,505, plus strand): 5'-CAAGGCTGACCTGTGCTGCGAAAACCTTCTTTTTTCTGGTTCAGTTCATCCACCGCCTCC[C>T]CAAGGCCCGCCACCTCGTCCAGAATGGCTCTGCAACCATCTTGCAGAGAAAGAGCCTCCT-3'
Protein context (NP_892006.3, residues 4717-4737): RAILDEVAGL[Gly4727Glu]EAVDELNQKK